The following is an entry in ClinVar:

ClinVar aggregate classification (germline): Uncertain significance. Review status: criteria provided, multiple submitters, no conflicts (2 of 4 stars). 6 submissions from 6 submitters: Uncertain significance (6). Last evaluated 2025-06-20.

Conditions:
Classic or attenuated familial adenomatous polyposis. Identifiers: MedGen CN372698, MONDO:0021057.
Hereditary cancer-predisposing syndrome. Also called: Tumor predisposition; Hereditary Cancer Syndrome; Hereditary neoplastic syndrome; Neoplastic Syndromes, Hereditary. Identifiers: Orphanet 140162, MedGen C0027672, MeSH D009386, MONDO:0015356.
Familial adenomatous polyposis 1 (FAP1). Also called: FAMILIAL ADENOMATOUS POLYPOSIS 1, ATTENUATED; POLYPOSIS, ADENOMATOUS INTESTINAL. Identifiers: MedGen C2713442, MONDO:0021056, OMIM 175100. Disease mechanism: loss of function.

Allele frequency attached by ClinVar (database versions not stated): gnomAD 0.00001; TOPMed 0.00001.
gnomAD v4.1: 3 of 1,613,640 alleles (0.00019%); highest among the groups gnomAD compares: African/African-American, 0.004%; no homozygotes.

Submissions (6):

Ambry Genetics
Classification: Uncertain significance for Hereditary cancer-predisposing syndrome. Last evaluated: 2025-06-20. Review status: criteria provided, single submitter. Criteria: Ambry Variant Classification Scheme 2023. Collection method: clinical testing. Allele origin: germline.
Comment: The p.A4S variant (also known as c.10G>T), located in coding exon 1 of the APC gene, results from a G to T substitution at nucleotide position 10. The alanine at codon 4 is replaced by serine, an amino acid with similar properties. This amino acid position is highly conserved in available vertebrate species. In addition, in silico predictors for this gene do not accurately predict pathogenicity. Missense alterations in APC are not a common cause of disease (Spier I et al. Genet Med. 2024 Feb;26(2):100992). Based on the available evidence, the clinical significance of this variant remains unclear.

Labcorp Genetics (formerly Invitae), Labcorp
Classification: Uncertain significance for Familial adenomatous polyposis 1. Last evaluated: 2024-09-18. Review status: criteria provided, single submitter. Criteria: Invitae Variant Classification Sherloc (09022015). Collection method: clinical testing. Allele origin: germline.
Comment: This sequence change replaces alanine, which is neutral and non-polar, with serine, which is neutral and polar, at codon 4 of the APC protein (p.Ala4Ser). This variant is present in population databases (no rsID available, gnomAD 0.01%). This variant has not been reported in the literature in individuals affected with APC-related conditions. ClinVar contains an entry for this variant (Variation ID: 487049). Invitae Evidence Modeling of protein sequence and biophysical properties (such as structural, functional, and spatial information, amino acid conservation, physicochemical variation, residue mobility, and thermodynamic stability) indicates that this missense variant is not expected to disrupt APC protein function with a negative predictive value of 95%. In summary, the available evidence is currently insufficient to determine the role of this variant in disease. Therefore, it has been classified as a Variant of Uncertain Significance.

Baylor Genetics
Classification: Uncertain significance for Familial adenomatous polyposis 1. Last evaluated: 2023-12-19. Review status: criteria provided, single submitter. Criteria: ACMG Guidelines, 2015. Collection method: clinical testing. Allele origin: unknown.

Quest Diagnostics Nichols Institute San Juan Capistrano
Classification: Uncertain significance. Last evaluated: 2023-10-17. Review status: criteria provided, single submitter. Criteria: Quest Diagnostics criteria. Collection method: clinical testing. Allele origin: unknown.
Comment: The APC c.10G>T (p.Ala4Ser) variant has not been reported in the published literature. The frequency of this variant in the general population, 0.000032 (1/31404 chromosomes (Genome Aggregation Database)), is uninformative in the assessment of its pathogenicity. Analysis of this variant using bioinformatics tools (i.e., MutationTaster and PolyPhen-2) for the prediction of the effect of amino acid changes on protein structure and function yielded conflicting predictions that this variant is benign or damaging. Based on the available information, we are unable to determine the clinical significance of this variant.

All of Us Research Program, National Institutes of Health
Classification: Uncertain significance for Classic or attenuated familial adenomatous polyposis. Last evaluated: 2023-03-28. Review status: criteria provided, single submitter. Criteria: ACMG Guidelines, 2015. Collection method: clinical testing. Allele origin: germline. Inheritance: Autosomal dominant inheritance. Observed: 1 variant allele, 1 heterozygote.
Comment: This study involves interpretation of variants in research participants for the purpose of population health screening. Participant phenotype was not available at the time of variant classification. Additional details can be found in publication PMID: 35346344, PMCID: PMC8962531

Color Diagnostics, LLC DBA Color Health
Classification: Uncertain significance for Hereditary cancer-predisposing syndrome. Last evaluated: 2019-04-18. Review status: criteria provided, single submitter. Criteria: ACMG Guidelines, 2015. Collection method: clinical testing. Allele origin: germline.

NM_000038.6(APC):c.10G>T (p.Ala4Ser)

Gene: APC (APC regulator of Wnt signaling pathway; plus strand). Cytogenetic location: 5q22.2.
Variant type: single nucleotide variant.
Coding change: c.10G>T on transcript NM_000038.6 (MANE Select); coding-DNA position 10, G replaced by T.
Protein change: p.Ala4Ser; replaces alanine 4 with serine.
Molecular consequence: missense variant. On other transcripts: 5 prime UTR variant (1), intron variant (8).
Genome position (GRCh38, 1-based): chr5:112,754,900, G>T. VCF-style: chr5-112754900-G-T. GRCh37 (hg19) VCF-style: chr5-112090597-G-T.
Other names: c.10G>T, p.Ala4Ser (NM_001127510.3, NM_001354895.2, NM_001354896.2 and 2 more transcripts); c.-1026G>T (NM_001354906.2); c.166-11426G>T (NM_001354897.2, NM_001354902.2, NM_001127511.3); c.61-11426G>T (NM_001354898.2, NM_001354904.2); c.-42-11426G>T (NM_001354900.2, NM_001354901.2, NM_001354905.2); short protein forms A4S.
Identifiers: ClinVar variation 487049 (VCV000487049.21), dbSNP rs774219012, ClinGen allele CA16021356.